The following is an entry in ClinVar:

ClinVar aggregate classification (germline): Conflicting classifications of pathogenicity. Review status: criteria provided, conflicting classifications (1 of 4 stars). 3 submissions from 3 submitters: Uncertain significance (2); Likely benign (1). Last evaluated 2024-04-25.

Conditions:
Inborn genetic diseases. Identifiers: MedGen C0950123, MeSH D030342.

Allele frequency attached by ClinVar (database versions not stated): gnomAD 0.00149 and 0.00155; ESP Exome Variant Server 0.00185; 1000 Genomes Project 30x 0.00219; TOPMed 0.00163; 1000 Genomes Project 0.00220.
gnomAD v4.1: 456 of 1,611,594 alleles (0.028%); highest among the groups gnomAD compares: African/African-American, 0.51%; 2 homozygotes.

Submissions (3):

GeneDx
Classification: Uncertain significance. Last evaluated: 2024-04-25. Review status: criteria provided, single submitter. Criteria: GeneDx Variant Classification Process June 2021. Collection method: clinical testing. Allele origin: germline. Affected: yes.
Comment: In silico analysis supports that this missense variant has a deleterious effect on protein structure/function; Has not been previously published as pathogenic or benign to our knowledge

Ambry Genetics
Classification: Uncertain significance for Inborn genetic diseases. Last evaluated: 2024-03-19. Review status: criteria provided, single submitter. Criteria: Ambry Variant Classification Scheme 2023. Collection method: clinical testing. Allele origin: germline.

Labcorp Genetics (formerly Invitae), Labcorp
Classification: Likely benign. Last evaluated: 2024-01-27. Review status: criteria provided, single submitter. Criteria: Invitae Variant Classification Sherloc (09022015). Collection method: clinical testing. Allele origin: germline.

NM_001005337.3(PKP1):c.1333C>T (p.Arg445Cys)

Gene: PKP1 (plakophilin 1; plus strand). Cytogenetic location: 1q32.1.
Variant type: single nucleotide variant.
Coding change: c.1333C>T on transcript NM_001005337.3 (MANE Select); coding-DNA position 1333, C replaced by T.
Protein change: p.Arg445Cys; replaces arginine 445 with cysteine.
Molecular consequence: missense variant.
Genome position (GRCh38, 1-based): chr1:201,320,367, C>T. VCF-style: chr1-201320367-C-T. GRCh37 (hg19) VCF-style: chr1-201289495-C-T.
Other names: c.1396C>T, p.Arg466Cys (NM_000299.4); short protein forms R445C, R466C.
Identifiers: ClinVar variation 712954 (VCV000712954.9), dbSNP rs74136386, ClinGen allele CA1324411.
Genomic context (GRCh38, chr1:201,320,367, plus strand): 5'-AACTACTCAGGGCTCATTGATTCCCTCATGGCCTATGTCCAGAACTGTGTAGCGGCCAGC[C>T]GCTGTGACGACAAGGTGAGTGCATCCCCTGGTGGCACCCTGACCCCTAGGCCCAGCCCCC-3'
Protein context (NP_001005337.1, residues 435-455): AYVQNCVAAS[Arg445Cys]CDDKSVENCM